The following is an entry in ClinVar:

NM_017617.5(NOTCH1):c.4536C>T (p.Ala1512=)

Gene: NOTCH1 (notch receptor 1; minus strand). Cytogenetic location: 9q34.3.
Variant type: single nucleotide variant.
Coding change: c.4536C>T on transcript NM_017617.5 (MANE Select); coding-DNA position 4536, C replaced by T.
Protein change: p.Ala1512=; no amino-acid change (alanine 1512 retained).
Molecular consequence: synonymous variant.
Genome position (GRCh38, 1-based): chr9:136,505,360, G>A on the plus strand (C>T on the coding strand, the complement: NOTCH1 is on the minus strand). VCF-style: chr9-136505360-G-A. GRCh37 (hg19) VCF-style: chr9-139399812-G-A.
Other names: p.Ala1512=; c.4536C>T, p.Ala1512= (LRG_1122t1); c.4536C>T (NM_017617.4).
Identifiers: ClinVar variation 220735 (VCV000220735.87), dbSNP rs61751540, ClinGen allele CA350221.

ClinVar aggregate classification (germline): Benign/Likely benign. Review status: criteria provided, multiple submitters, no conflicts (2 of 4 stars). 16 submissions from 15 submitters: Benign (9); Likely benign (3). 4 of the submissions do not count toward it. Last evaluated 2026-10-01.

Conditions:
NOTCH1-related disorder. Also called: NOTCH1-related disorders; NOTCH1-related condition.
Adams-Oliver syndrome 5 (AOS5). Identifiers: Orphanet 974, MedGen C4014970, MONDO:0014459, OMIM 616028.
Familial thoracic aortic aneurysm and aortic dissection (TAAD). Also called: Thoracic aortic aneurysms and dissections. Identifiers: Orphanet 91387, MedGen C4707243, MONDO:0019625.
Aortic valve disease 1 (AOVD1). Identifiers: MedGen C3887892, MONDO:0024523, OMIM 109730.

Allele frequency attached by ClinVar (database versions not stated): gnomAD exomes 0.00153; ESP Exome Variant Server 0.00212; ExAC 0.00276; 1000 Genomes Project 0.00280; 1000 Genomes Project 30x 0.00281; gnomAD 0.00358 and 0.00377; TOPMed 0.00362.
gnomAD v4.1: 2,247 of 1,607,850 alleles (0.14%); highest among the groups gnomAD compares: African/African-American, 0.94%; 10 homozygotes.

Submissions (16):

CeGaT Center for Human Genetics Tuebingen
Classification: Likely benign. Last evaluated: 2026-10-01. Review status: criteria provided, single submitter. Criteria: CeGaT Center For Human Genetics Tuebingen Variant Classification Criteria Version 2. Collection method: clinical testing. Allele origin: germline. Affected: yes. Observed: 6 variant alleles.
Comment: NOTCH1: BP4, BP7

Labcorp Genetics (formerly Invitae), Labcorp
Classification: Benign for Adams-Oliver syndrome 5. Last evaluated: 2026-01-24. Review status: criteria provided, single submitter. Criteria: Invitae Variant Classification Sherloc (09022015). Collection method: clinical testing. Allele origin: germline.

Mayo Clinic Laboratories, Mayo Clinic
Classification: Likely benign. Last evaluated: 2025-06-16. Review status: criteria provided, single submitter. Criteria: ACMG Guidelines, 2015. Collection method: clinical testing. Allele origin: germline. Observed: 3 variant alleles.

ARUP Laboratories, Molecular Genetics and Genomics, ARUP Laboratories
Classification: Benign. Last evaluated: 2024-12-12. Review status: criteria provided, single submitter. Criteria: ARUP Molecular Germline Variant Investigation Process 2024. Collection method: clinical testing. Allele origin: germline.

Blueprint Genetics
Classification: Likely benign. Last evaluated: 2024-11-26. Review status: criteria provided, single submitter. Criteria: ACMG Guidelines, 2015. Collection method: clinical testing. Allele origin: germline.

Women's Health and Genetics/Laboratory Corporation of America, LabCorp
Classification: Benign. Last evaluated: 2023-07-21. Review status: criteria provided, single submitter. Criteria: LabCorp Variant Classification Summary - May 2015. Collection method: clinical testing. Allele origin: germline.

Genome-Nilou Lab
Classification: Benign for Adams-Oliver syndrome 5. Last evaluated: 2022-03-15. Review status: criteria provided, single submitter. Criteria: ACMG Guidelines, 2015. Collection method: clinical testing. Allele origin: germline. Affected: no.

Genome-Nilou Lab
Classification: Benign for Aortic valve disease 1. Last evaluated: 2022-03-15. Review status: criteria provided, single submitter. Criteria: ACMG Guidelines, 2015. Collection method: clinical testing. Allele origin: germline. Affected: no.

GeneDx
Classification: Benign. Last evaluated: 2016-11-04. Review status: criteria provided, single submitter. Criteria: GeneDx Variant Classification (06012015). Collection method: clinical testing. Allele origin: germline. Affected: yes.
Comment: This variant is considered likely benign or benign based on one or more of the following criteria: it is a conservative change, it occurs at a poorly conserved position in the protein, it is predicted to be benign by multiple in silico algorithms, and/or has population frequency not consistent with disease.

CHEO Genetics Diagnostic Laboratory, Children's Hospital of Eastern Ontario
Classification: Benign for Familial thoracic aortic aneurysm and aortic dissection. Last evaluated: 2016-07-22. Review status: criteria provided, single submitter. Criteria: ACMG Guidelines, 2015. Collection method: clinical testing. Allele origin: germline. Study: Canadian Open Genetics Repository.

Ambry Genetics
Classification: Benign for Familial thoracic aortic aneurysm and aortic dissection. Last evaluated: 2015-09-09. Review status: criteria provided, single submitter. Criteria: Ambry Variant Classification Scheme 2023. Collection method: clinical testing. Allele origin: germline.

Breakthrough Genomics
Classification: Benign. Review status: criteria provided, single submitter. Criteria: ACMG Guidelines, 2015. Collection method: not provided. Allele origin: germline. Inheritance: Autosomal dominant inheritance. Affected: yes.

PreventionGenetics, part of Exact Sciences
Classification: Benign for NOTCH1-related condition. Last evaluated: 2019-04-29. Review status: no assertion criteria provided. Collection method: clinical testing. Allele origin: germline. Not counted in ClinVar's aggregate classification.
Comment: This variant is classified as benign based on ACMG/AMP sequence variant interpretation guidelines (Richards et al. 2015 PMID: 25741868, with internal and published modifications).

Clinical Genetics DNA and cytogenetics Diagnostics Lab, Erasmus MC, Erasmus Medical Center
Classification: Likely benign. Review status: no assertion criteria provided. Collection method: clinical testing. Allele origin: germline. Affected: yes. Study: VKGL Data-share Consensus. Not counted in ClinVar's aggregate classification.

Genome Diagnostics Laboratory, Amsterdam University Medical Center
Classification: Benign. Review status: no assertion criteria provided. Collection method: clinical testing. Allele origin: germline. Affected: yes. Study: VKGL Data-share Consensus. Not counted in ClinVar's aggregate classification.

Joint Genome Diagnostic Labs from Nijmegen and Maastricht, Radboudumc and MUMC+
Classification: Likely benign. Review status: no assertion criteria provided. Collection method: clinical testing. Allele origin: germline. Affected: yes. Study: VKGL Data-share Consensus. Not counted in ClinVar's aggregate classification.

Literature cited by the submitters: PubMed 24943832 (cited by Women's Health and Genetics/Laboratory Corporation of America, LabCorp); PubMed 16614245 (cited by Women's Health and Genetics/Laboratory Corporation of America, LabCorp); PubMed 21670202 (cited by Women's Health and Genetics/Laboratory Corporation of America, LabCorp); PubMed 22210878 (cited by Women's Health and Genetics/Laboratory Corporation of America, LabCorp); PubMed 19635999 (cited by Women's Health and Genetics/Laboratory Corporation of America, LabCorp); PubMed 26837699 (cited by Women's Health and Genetics/Laboratory Corporation of America, LabCorp); PubMed 23086750 (cited by Women's Health and Genetics/Laboratory Corporation of America, LabCorp); PubMed 19245433 (cited by Women's Health and Genetics/Laboratory Corporation of America, LabCorp); PubMed 22077063 (cited by Women's Health and Genetics/Laboratory Corporation of America, LabCorp); PubMed 15472075 (cited by Women's Health and Genetics/Laboratory Corporation of America, LabCorp); PubMed 23734977 (cited by Women's Health and Genetics/Laboratory Corporation of America, LabCorp); PubMed 22858860 (cited by Women's Health and Genetics/Laboratory Corporation of America, LabCorp).